The following is an entry in ClinVar:

ClinVar aggregate classification (germline): Uncertain significance (1 of 4 stars; one submission).

gnomAD v4.1: 1 of 1,614,232 alleles (0.000062%); highest among the groups gnomAD compares: Non-Finnish European, 0.000085%; no homozygotes.

Submission:

Labcorp Genetics (formerly Invitae), Labcorp
Classification: Uncertain significance. Last evaluated: 2025-06-03. Review status: criteria provided, single submitter. Criteria: Invitae Variant Classification Sherloc (09022015). Collection method: clinical testing. Allele origin: germline.
Comment: This sequence change replaces leucine, which is neutral and non-polar, with valine, which is neutral and non-polar, at codon 455 of the ARHGEF10 protein (p.Leu455Val). This variant is not present in population databases (gnomAD no frequency). This variant has not been reported in the literature in individuals affected with ARHGEF10-related conditions. Invitae Evidence Modeling of protein sequence and biophysical properties (such as structural, functional, and spatial information, amino acid conservation, physicochemical variation, residue mobility, and thermodynamic stability) indicates that this missense variant is not expected to disrupt ARHGEF10 protein function with a negative predictive value of 80%. In summary, the available evidence is currently insufficient to determine the role of this variant in disease. Therefore, it has been classified as a Variant of Uncertain Significance.

NM_014629.4(ARHGEF10):c.1363C>G (p.Leu455Val)

Gene: ARHGEF10 (Rho guanine nucleotide exchange factor 10; plus strand). Cytogenetic location: 8p23.3.
Variant type: single nucleotide variant.
Coding change: c.1363C>G on transcript NM_014629.4 (MANE Select); coding-DNA position 1363, C replaced by G.
Protein change: p.Leu455Val; replaces leucine 455 with valine.
Molecular consequence: missense variant.
Genome position (GRCh38, 1-based): chr8:1,894,495, C>G. VCF-style: chr8-1894495-C-G. GRCh37 (hg19) VCF-style: chr8-1842661-C-G.
Other names: c.1249C>G, p.Leu417Val (NM_001308152.2, NM_001438092.1, NM_001438094.1); c.1366C>G, p.Leu456Val (NM_001308153.3, NM_001438091.1); c.1246C>G, p.Leu416Val (NM_001438093.1); short protein forms L416V, L417V, L455V, L456V, L480V.
Identifiers: ClinVar variation 4808612 (VCV004808612.1).